The following is an entry in ClinVar:

ClinVar aggregate classification (germline): Pathogenic/Likely pathogenic. Review status: criteria provided, multiple submitters, no conflicts (2 of 4 stars). 54 submissions from 49 submitters: Pathogenic (39); Likely pathogenic (3). 12 of the submissions do not count toward it. Last evaluated 2026-08-08.

Conditions:
Ichthyosis and erythrokeratoderma.
Palmoplantar keratodermas.
FLG-related disorder. Also called: FLG-related condition; FLG-related disorders.
Atopic eczema. Identifiers: MedGen C0011615, MONDO:0004980, HP:0001047.
Ichthyosis vulgaris. Also called: Dominant ichthyosis vulgaris; ICHTHYOSIS SIMPLEX. Identifiers: MedGen C0079584, MONDO:0024304, OMIM 146700.
Inborn genetic diseases. Identifiers: MedGen C0950123, MeSH D030342.
Dermatitis, atopic, 2. Identifiers: MedGen C1853965, MONDO:0011596, OMIM 605803.
Dermatitis, atopic, 2, susceptibility to. Identifiers: MedGen C2675432.
Eczematoid dermatitis. Also called: Eczematous rash; Eczema. Identifiers: MedGen C0013595, HP:0000964.

Allele frequency attached by ClinVar (database versions not stated): TOPMed 0.01144; 1000 Genomes Project 0.00339; 1000 Genomes Project 30x 0.00281.
gnomAD v4.1: 27,361 of 1,613,302 alleles (1.7%); highest among the groups gnomAD compares: Non-Finnish European, 2.1%; 315 homozygotes.

Submissions 1 to 12 of 54:

Genetics Laboratory, Great Ormond Street Hospital NHS Foundation Trust, North Thames Genomic Laboratory Hub
Classification: Pathogenic for Palmoplantar keratodermas. Last evaluated: 2026-08-08. Review status: criteria provided, single submitter. Criteria: ACGS Best Practice Guidelines for Variant Classification in Rare Disease 2024 v1.2. Collection method: clinical testing. Allele origin: germline. Affected: yes.
Comment: PS4_moderate, PVS1_strong, PP1_strong

CeGaT Center for Human Genetics Tuebingen
Classification: Pathogenic. Last evaluated: 2026-08-01. Review status: criteria provided, single submitter. Criteria: CeGaT Center For Human Genetics Tuebingen Variant Classification Criteria Version 2. Collection method: clinical testing. Allele origin: germline. Affected: yes. Observed: 26 variant alleles.
Comment: FLG: PM3:Very Strong, PP1:Strong, PVS1:Strong, PM2:Supporting

PreventionGenetics, part of Exact Sciences
Classification: Pathogenic for FLG-related condition. Last evaluated: 2026-07-28. Review status: criteria provided, single submitter. Criteria: ACMG Guidelines, 2015. Collection method: clinical testing. Allele origin: germline.
Comment: The FLG c.1501C>T variant is predicted to result in premature protein termination (p.Arg501*). This variant is the most common pathogenic variant in this gene and is more commonly observed in individuals of European ancestry (Garrett et al. 2013. PubMed ID: 23993222). Individuals who are heterozygous for this variant have been reported to be asymptomatic (reduced penetrance) or affected by a milder form of ichthyosis, and are at an increased risk for atopic dermatitis. Individuals who are homozygous for this variant have a more severe phenotype, such as pronounced ichthyosis vulgaris, greater risk of early and severe atopic dermatitis, rhinitis, possible food allergies, asthma, hand eczema, elevated total and specific immunoglobulin E, palmar hyperlinearity and keratosis pilaris (Smith et al. 2006. PubMed ID: 16444271; Carlsen et al. 2013. PubMed ID: 23947670; Henderson et al. 2008. PubMed ID: 18325573; van Ginkel et al. 2015. PubMed ID: 25620092; Ogrodowczyk et al. 2014. PubMed ID: 25276250). This variant is reported in 1.6% of alleles in individuals of European (Non-Finnish) descent in gnomAD. Nonsense variants in FLG are expected to be pathogenic. This variant is interpreted as pathogenic.

Genetics Laboratory, Great Ormond Street Hospital NHS Foundation Trust, North Thames Genomic Laboratory Hub
Classification: Pathogenic for Ichthyosis and erythrokeratoderma. Last evaluated: 2026-06-26. Review status: criteria provided, single submitter. Criteria: ACGS Best Practice Guidelines for Variant Classification in Rare Disease 2024 v1.2. Collection method: clinical testing. Allele origin: germline. Affected: yes.
Comment: the same text as in the submission from Genetics Laboratory, Great Ormond Street Hospital NHS Foundation Trust, North Thames Genomic Laboratory Hub above.

Institute of Human Genetics, University of Leipzig Medical Center
Classification: Pathogenic for Dermatitis, atopic, 2. Last evaluated: 2026-05-28. Review status: criteria provided, single submitter. Criteria: ACMG Guidelines, 2015. Collection method: clinical testing. Allele origin: unknown. Inheritance: Autosomal dominant inheritance. Affected: yes.
Comment: Criteria applied: PVS1,PS4_MOD

Institute of Human Genetics, University of Leipzig Medical Center
Classification: Pathogenic for Ichthyosis vulgaris. Last evaluated: 2026-05-04. Review status: criteria provided, single submitter. Criteria: ACMG Guidelines, 2015. Collection method: clinical testing. Allele origin: unknown. Inheritance: Autosomal recessive inheritance. Affected: yes.
Comment: Criteria applied: PVS1,PM3_VSTR

Dasa
Classification: Pathogenic. Last evaluated: 2026-04-21. Review status: criteria provided, single submitter. Criteria: DASA Assertion Criteria. Collection method: clinical testing. Allele origin: germline.
Comment: NM_002016.2(FLG):c.1501C>T (p.Arg501Ter) introduces a premature termination codon predicted to result in loss of normal protein function. Loss-of-function is an established mechanism of disease for this gene. This variant has been recurrently observed in individuals with related phenotype (PMID: 16444271; PMID: 16550169; PMID: 16815158). The variant is present at low frequency in population datasets. Based on the available data, this variant is classified as pathogenic.

Institute of Human Genetics, Heidelberg University
Classification: Pathogenic for Ichthyosis vulgaris. Last evaluated: 2026-03-30. Review status: criteria provided, single submitter. Criteria: ACMG Guidelines, 2015. Collection method: clinical testing. Allele origin: unknown. Affected: yes. Observed: 1 variant allele.
Comment: PVS1_str, PM3_vs, PP1_str, PP4_supp

Genetics and Genomic Medicine Centre, NeuroGen Healthcare, NeuroGen Healthcare
Classification: Pathogenic for Dermatitis, atopic, 2. Last evaluated: 2026-01-06. Review status: criteria provided, single submitter. Criteria: ACMG Guidelines, 2015. Collection method: clinical testing. Allele origin: unknown. Affected: yes.

3billion
Classification: Pathogenic for Dermatitis, atopic, 2. Last evaluated: 2025-12-15. Review status: criteria provided, single submitter. Criteria: ACMG Guidelines, 2015. Collection method: clinical testing. Allele origin: germline. Affected: yes.
Comment: The variant is observed in the gnomAD v4.1.0 dataset (total allele frequency: 1.696%). Predicted Consequence/Location: Stop-gained (nonsense): predicted to result in a loss or disruption of normal protein function through protein truncation. The predicted truncated protein may be shortened by more than 10%. The variant has been reported at least twice as pathogenic with clinical assertions and evidence for the classification (ClinVar ID: VCV000016319 /PMID: 16444271 /3billion dataset). Therefore, this variant is classified as Pathogenic according to the recommendation of ACMG/AMP guideline.

Rady Children's Institute for Genomic Medicine, Rady Children's Hospital San Diego
Classification: Pathogenic for FLG-related disorders. Last evaluated: 2025-11-03. Review status: criteria provided, single submitter. Criteria: ACMG Guidelines, 2015. Collection method: clinical testing. Allele origin: germline. Affected: yes.
Comment: Loss-of-function variation in FLG is an established mechanism of disease (PMID: 16444271, 27678121, 21428977, 24608987). This nonsense variant is found in the last exon of FLG and is therefore predicted to escape nonsense-mediated mRNA decay (NMD). However, nonsense variants located downstream of this variant have been reported as disease-causing in the literature (PMID: 20222934). Loss-of-function variation in FLG is an established mechanism of disease (PMID: 16444271 , 27793761, 27667308). The p.Arg501Ter variant (also denoted as p.Arg501X) is one of the most common pathogenic FLG variants observed in Caucasian individuals of North/West-European descent with ichthyosis vulgaris (PMID: 16444271). This and other loss-of-function variants in FLG have been associated with an increased risk for eczema (OR 2.5-3.7; PMID: 18325573, 19501237, 19839980, 22403702). In family studies, the p.Arg501Ter variant has shown both AD and AR inheritance patterns (PMID: 16550169, 16444271). Functional studies have confirmed it leads to loss of filaggrin protein production (PMID: 16444271). The c.1501C>T (p.Arg501Ter) variant is present in the latest version of the gnomAD population database at a frequency of 1.7% (27361/1613302) and in the homozygous state in 315 individuals. Based on the available evidence, c.1501C>T (p.Arg501Ter) is classified as Pathogenic.

Clinical Genetics Laboratory, University Hospital Schleswig-Holstein
Classification: Pathogenic for Ichthyosis vulgaris; Dermatitis, atopic, 2. Last evaluated: 2025-03-26. Review status: criteria provided, single submitter. Criteria: ACMG Guidelines, 2015. Collection method: clinical testing. Allele origin: germline. Affected: yes. Observed: 1 heterozygote.
Comment: ACMG criteria applied: PS4, PVS1_Strong, PP1_Strong

NM_002016.2(FLG):c.1501C>T (p.Arg501Ter)

Genes: CCDST (cervical cancer associated DHX9 suppressive transcript; plus strand), FLG (filaggrin; minus strand). Cytogenetic location: 1q21.3.
Variant type: single nucleotide variant.
Coding change: c.1501C>T on transcript NM_002016.2 (MANE Select); coding-DNA position 1501, C replaced by T.
Protein change: p.Arg501Ter; replaces arginine 501 with a stop codon.
Molecular consequence: nonsense.
Genome position (GRCh38, 1-based): chr1:152,313,385, G>A on the plus strand (C>T on the coding strand, the complement: FLG is on the minus strand). VCF-style: chr1-152313385-G-A. GRCh37 (hg19) VCF-style: chr1-152285861-G-A.
Other names: short protein forms R501*.
Identifiers: ClinVar variation 16319 (VCV000016319.101), dbSNP rs61816761, ClinGen allele CA126359.
Genomic context (GRCh38, chr1:152,313,385, plus strand): 5'-CCGGGTGTCCACGAATGGTGTCCTGACCCTCTTGGGACGCTGAATGCCTGGAGCTGTCTC[G>A]TGCCTGCTCGTGGTGCGATCCTTGTCTTCCTCCAGTGCTGGTCCCGGTCCGTCCATGGGC-3'